The following is an entry in ClinVar:

ClinVar aggregate classification (germline): Conflicting classifications of pathogenicity. Review status: criteria provided, conflicting classifications (1 of 4 stars). 7 submissions from 7 submitters: Uncertain significance (6); Likely benign (1). Last evaluated 2026-01-31.

Conditions:
Familial ovarian cancer. Identifiers: MedGen C5679802, MONDO:0016248.
RAD51C-related disorder. Also called: RAD51C-related disorders; RAD51C-related condition.
Hereditary cancer-predisposing syndrome. Also called: Tumor predisposition; Hereditary neoplastic syndrome; Neoplastic Syndromes, Hereditary; Hereditary Cancer Syndrome. Identifiers: Orphanet 140162, MedGen C0027672, MeSH D009386, MONDO:0015356.
Breast-ovarian cancer, familial, susceptibility to, 3. Also called: RAD51C-Related Breast/Ovarian Cancer. Identifiers: Orphanet 145, MedGen C3150659, MONDO:0013253, OMIM 613399.
Fanconi anemia complementation group O. Also called: RAD51C-Related Fanconi Anemia. Identifiers: Orphanet 84, MedGen C3150653, MONDO:0013248, OMIM 613390.

Allele frequency attached by ClinVar (database versions not stated): TOPMed below 0.00001; ExAC 0.00001; gnomAD 0.00001; gnomAD exomes 0.00001 and 0.00002.

Submissions (7):

Labcorp Genetics (formerly Invitae), Labcorp
Classification: Uncertain significance for Fanconi anemia complementation group O. Last evaluated: 2026-01-31. Review status: criteria provided, single submitter. Criteria: Invitae Variant Classification Sherloc (09022015). Collection method: clinical testing. Allele origin: germline.
Comment: This sequence change replaces methionine, which is neutral and non-polar, with isoleucine, which is neutral and non-polar, at codon 136 of the RAD51C protein (p.Met136Ile). This variant is present in population databases (rs587780836, gnomAD 0.004%). This missense change has been observed in individual(s) with pancreatic cancer (PMID: 28767289). ClinVar contains an entry for this variant (Variation ID: 136158). Invitae Evidence Modeling of protein sequence and biophysical properties (such as structural, functional, and spatial information, amino acid conservation, physicochemical variation, residue mobility, and thermodynamic stability) indicates that this missense variant is not expected to disrupt RAD51C protein function with a negative predictive value of 80%. Experimental studies have shown that this missense change does not substantially affect RAD51C function (PMID: 37253112). In summary, the available evidence is currently insufficient to determine the role of this variant in disease. Therefore, it has been classified as a Variant of Uncertain Significance.

Ambry Genetics
Classification: Likely benign for Hereditary cancer-predisposing syndrome. Last evaluated: 2024-07-16. Review status: criteria provided, single submitter. Criteria: Ambry Variant Classification Scheme 2023. Collection method: clinical testing. Allele origin: germline.

Color Diagnostics, LLC DBA Color Health
Classification: Uncertain significance for Hereditary cancer-predisposing syndrome. Last evaluated: 2024-05-14. Review status: criteria provided, single submitter. Criteria: ACMG Guidelines, 2015. Collection method: clinical testing. Allele origin: germline.
Comment: This missense variant replaces methionine with isoleucine at codon 136 of the RAD51C protein. Computational prediction suggests that this variant may not impact protein structure and function. To our knowledge, functional studies have not been reported for this variant. This variant has been observed in an individual affected with pancreatic cancer (PMID: 28767289) and a healthy control from an ovarian cancer case-control study (PMID: 26261251). This variant has been identified in 3/282870 chromosomes in the general population by the Genome Aggregation Database (gnomAD). The available evidence is insufficient to determine the role of this variant in disease conclusively. Therefore, this variant is classified as a Variant of Uncertain Significance.

Molecular Pathology, Peter Maccallum Cancer Centre
Classification: Uncertain significance for Familial ovarian cancer. Last evaluated: 2024-01-16. Review status: criteria provided, single submitter. Criteria: ACMG Guidelines, 2015. Collection method: clinical testing. Allele origin: germline. Inheritance: Autosomal dominant inheritance.

PreventionGenetics, part of Exact Sciences
Classification: Uncertain significance for RAD51C-related condition. Last evaluated: 2023-04-07. Review status: criteria provided, single submitter. Criteria: ACMG Guidelines, 2015. Collection method: clinical testing. Allele origin: germline.
Comment: The RAD51C c.408G>A variant is predicted to result in the amino acid substitution p.Met136Ile. This variant was reported in an individual with pancreatic adenocarcinoma (Table A2, Shindo et al. 2017. PubMed ID: 28767289). This variant is reported in 0.0040% of alleles in individuals of African descent in gnomAD and is reported as a variant of uncertain significance in ClinVar. At this time, the clinical significance of this variant is uncertain due to the absence of conclusive functional and genetic evidence.

GeneDx
Classification: Uncertain significance. Last evaluated: 2022-07-17. Review status: criteria provided, single submitter. Criteria: GeneDx Variant Classification Process June 2021. Collection method: clinical testing. Allele origin: germline. Affected: yes.
Comment: Not observed at significant frequency in large population cohorts (gnomAD); In silico analysis supports that this missense variant does not alter protein structure/function; Observed in an individual with pancreatic cancer (Shindo et al., 2017); This variant is associated with the following publications: (PMID: 26261251, 14704354, 28767289, 32659497)

Genetics and Molecular Pathology, SA Pathology
Classification: Uncertain significance for Breast-ovarian cancer, familial, susceptibility to, 3. Last evaluated: 2020-11-06. Review status: criteria provided, single submitter. Criteria: ACMG Guidelines, 2015. Collection method: clinical testing. Allele origin: germline. Affected: yes.
Comment: The RAD51C c.408G>A variant is classified as VUS. It is rare and in FLOSSIES, computational analysis equivocal, found in cancer individuals and controls, reported as VUS in ClinVar

Literature cited by the submitters: PubMed 28767289 (cited by 3 submitters); PubMed 37253112 (cited by Labcorp Genetics (formerly Invitae), Labcorp and Ambry Genetics); PubMed 26261251 (cited by Color Diagnostics, LLC DBA Color Health).

NM_058216.3(RAD51C):c.408G>A (p.Met136Ile)

Gene: RAD51C (RAD51 paralog C; plus strand). Cytogenetic location: 17q22.
Variant type: single nucleotide variant.
Coding change: c.408G>A on transcript NM_058216.3 (MANE Select); coding-DNA position 408, G replaced by A.
Protein change: p.Met136Ile; replaces methionine 136 with isoleucine.
Molecular consequence: missense variant.
Genome position (GRCh38, 1-based): chr17:58,696,696, G>A. VCF-style: chr17-58696696-G-A. GRCh37 (hg19) VCF-style: chr17-56774057-G-A.
Other names: c.408G>A (LRG_314t1); short protein forms M136I.
Identifiers: ClinVar variation 136158 (VCV000136158.27), dbSNP rs587780836, ClinGen allele CA333000.